The following is an entry in ClinVar:

NM_006767.4(LZTR1):c.1838del (p.Met613fs)

Gene: LZTR1 (leucine zipper like post translational regulator 1; plus strand). Cytogenetic location: 22q11.21.
Variant type: Deletion.
Coding change: c.1838del on transcript NM_006767.4 (MANE Select); coding-DNA position 1838, one base deleted (T; older notation c.1838delT).
Protein change: p.Met613fs; shifts the reading frame from methionine 613.
Molecular consequence: frameshift variant.
Genome position (GRCh38, 1-based): chr22:20,994,922, T deleted. VCF-style (leftmost placement, unchanged base first): chr22-20994921-AT-A. GRCh37 (hg19) VCF-style: chr22-21349210-AT-A.
Other names: short protein forms M613fs.
Identifiers: ClinVar variation 2036786 (VCV002036786.4), dbSNP rs1464339533, ClinGen allele CA751567228.

ClinVar aggregate classification (germline): Pathogenic (1 of 4 stars; one submission).

Submission:

Labcorp Genetics (formerly Invitae), Labcorp
Classification: Pathogenic. Last evaluated: 2025-12-13. Review status: criteria provided, single submitter. Criteria: Invitae Variant Classification Sherloc (09022015). Collection method: clinical testing. Allele origin: germline.
Comment: This sequence change creates a premature translational stop signal (p.Met613Argfs*2) in the LZTR1 gene. It is expected to result in an absent or disrupted protein product. Loss-of-function variants in LZTR1 are known to be pathogenic (PMID: 24362817, 25335493, 25480913, 25795793, 29469822, 30368668, 30442762, 30442766, 30481304, 30859559). This variant is not present in population databases (gnomAD no frequency). This variant has not been reported in the literature in individuals affected with LZTR1-related conditions. ClinVar contains an entry for this variant (Variation ID: 2036786). For these reasons, this variant has been classified as Pathogenic.

Literature cited by the submitters: PubMed 24362817; PubMed 25335493; PubMed 25480913; PubMed 25795793; PubMed 29469822; PubMed 30368668; PubMed 30442762; PubMed 30442766; PubMed 30481304; PubMed 30859559.